The following is an entry in ClinVar:

ClinVar aggregate classification (germline): Uncertain significance (0 of 4 stars; one submission).

Conditions:
COL9A1-related disorder. Also called: COL9A1-related condition; COL9A1-related disorders.

gnomAD v4.1: 2 of 1,613,912 alleles (0.00012%); highest among the groups gnomAD compares: Admixed American, 0.0017%; no homozygotes.

Submission:

PreventionGenetics, part of Exact Sciences
Classification: Uncertain significance for COL9A1-related condition. Last evaluated: 2024-05-09. Review status: no assertion criteria provided. Collection method: clinical testing. Allele origin: germline.
Comment: The COL9A1 c.322C>A variant is predicted to result in the amino acid substitution p.Pro108Thr. To our knowledge, this variant has not been reported in the literature or in a large population database, indicating this variant is rare. At this time, the clinical significance of this variant is uncertain due to the absence of conclusive functional and genetic evidence.

NM_001851.6(COL9A1):c.322C>A (p.Pro108Thr)

Gene: COL9A1 (collagen type IX alpha 1 chain; minus strand). Cytogenetic location: 6q13.
Variant type: single nucleotide variant.
Coding change: c.322C>A on transcript NM_001851.6 (MANE Select); coding-DNA position 322, C replaced by A.
Protein change: p.Pro108Thr; replaces proline 108 with threonine.
Molecular consequence: missense variant.
Genome position (GRCh38, 1-based): chr6:70,294,541, G>T on the plus strand (C>A on the coding strand, the complement: COL9A1 is on the minus strand). VCF-style: chr6-70294541-G-T. GRCh37 (hg19) VCF-style: chr6-71004244-G-T.
Other names: c.322C>A, p.Pro108Thr (NM_001377291.1); short protein forms P108T.
Identifiers: ClinVar variation 3344841 (VCV003344841.1).